The following is an entry in ClinVar:

NM_144573.4(NEXN):c.1477G>A (p.Asp493Asn)

Gene: NEXN (nexilin F-actin binding protein; plus strand). Cytogenetic location: 1p31.1.
Variant type: single nucleotide variant.
Coding change: c.1477G>A on transcript NM_144573.4 (MANE Select); coding-DNA position 1477, G replaced by A.
Protein change: p.Asp493Asn; replaces aspartic acid 493 with asparagine.
Molecular consequence: missense variant.
Genome position (GRCh38, 1-based): chr1:77,942,026, G>A. VCF-style: chr1-77942026-G-A. GRCh37 (hg19) VCF-style: chr1-78407711-G-A.
Other names: c.1285G>A, p.Asp429Asn (NM_001172309.2); short protein forms D493N, D429N.
Identifiers: ClinVar variation 520311 (VCV000520311.13), dbSNP rs1553241790, ClinGen allele CA340880564.
Genomic context (GRCh38, chr1:77,942,026, plus strand): 5'-ACGCTTCTTTGTTTTTAGAAGGCAAGCAATTGTTAATCTTGGCCCACTTTCTTGCAGGAA[G>A]ATGATGTTGATGTTAGGCCTGCAAGAAAAAGCGAGGCTCCATTTACTCACAAAGTGAATA-3'
Protein context (NP_653174.3, residues 483-503): EREAENFHEE[Asp493Asn]DVDVRPARKS

ClinVar aggregate classification (germline): Uncertain significance. Review status: criteria provided, multiple submitters, no conflicts (2 of 4 stars). 3 submissions from 3 submitters: Uncertain significance (3). Last evaluated 2024-07-09.

Conditions:
Dilated cardiomyopathy 1CC (CMD1CC). Identifiers: Orphanet 154, MedGen C2751084, MONDO:0013147, OMIM 613122.
Hypertrophic cardiomyopathy 20. Identifiers: MedGen C3151267, MONDO:0013477, OMIM 613876.
Cardiovascular phenotype. Identifiers: MedGen CN230736.

Allele frequency attached by ClinVar (database versions not stated): gnomAD exomes below 0.00001.
gnomAD v4.1: 1 of 1,612,402 alleles (0.000062%); highest among the groups gnomAD compares: Non-Finnish European, 0.000085%; no homozygotes.

Submissions (3):

GeneDx
Classification: Uncertain significance. Last evaluated: 2024-07-09. Review status: criteria provided, single submitter. Criteria: GeneDx Variant Classification Process June 2021. Collection method: clinical testing. Allele origin: germline. Affected: yes.
Comment: Has not been previously published as pathogenic or benign to our knowledge; Not observed at significant frequency in large population cohorts (gnomAD); In silico analysis is inconclusive as to whether the variant alters gene splicing. In the absence of RNA/functional studies, the actual effect of this sequence change is unknown.; In silico analysis indicates that this missense variant does not alter protein structure/function

Ambry Genetics
Classification: Uncertain significance for Cardiovascular phenotype. Last evaluated: 2022-09-15. Review status: criteria provided, single submitter. Criteria: Ambry Variant Classification Scheme 2023. Collection method: clinical testing. Allele origin: germline.
Comment: The p.D493N variant (also known as c.1477G>A), located in coding exon 11 of the NEXN gene, results from a G to A substitution at nucleotide position 1477. The aspartic acid at codon 493 is replaced by asparagine, an amino acid with highly similar properties. This amino acid position is poorly conserved in available vertebrate species. In addition, this alteration is predicted to be tolerated by in silico analysis. Since supporting evidence is limited at this time, the clinical significance of this alteration remains unclear.

Labcorp Genetics (formerly Invitae), Labcorp
Classification: Uncertain significance for Dilated cardiomyopathy 1CC; Hypertrophic cardiomyopathy 20. Last evaluated: 2022-04-30. Review status: criteria provided, single submitter. Criteria: Invitae Variant Classification Sherloc (09022015). Collection method: clinical testing. Allele origin: germline.
Comment: This variant is not present in population databases (gnomAD no frequency). This sequence change replaces aspartic acid, which is acidic and polar, with asparagine, which is neutral and polar, at codon 493 of the NEXN protein (p.Asp493Asn). In summary, the available evidence is currently insufficient to determine the role of this variant in disease. Therefore, it has been classified as a Variant of Uncertain Significance. Algorithms developed to predict the effect of sequence changes on RNA splicing suggest that this variant may disrupt the consensus splice site. Algorithms developed to predict the effect of missense changes on protein structure and function are either unavailable or do not agree on the potential impact of this missense change (SIFT: "Deleterious"; PolyPhen-2: "Benign"; Align-GVGD: "Class C0"). ClinVar contains an entry for this variant (Variation ID: 520311). This variant has not been reported in the literature in individuals affected with NEXN-related conditions.